The following is an entry in ClinVar:

NM_005850.5(SF3B4):c.969C>T (p.His323=)

Gene: SF3B4 (splicing factor 3b subunit 4; minus strand). Cytogenetic location: 1q21.2.
Variant type: single nucleotide variant.
Coding change: c.969C>T on transcript NM_005850.5 (MANE Select); coding-DNA position 969, C replaced by T.
Protein change: p.His323=; no amino-acid change (histidine 323 retained).
Molecular consequence: synonymous variant.
Genome position (GRCh38, 1-based): chr1:149,923,959, G>A on the plus strand (C>T on the coding strand, the complement: SF3B4 is on the minus strand). VCF-style: chr1-149923959-G-A. GRCh37 (hg19) VCF-style: chr1-149895851-G-A.
Identifiers: ClinVar variation 728216 (VCV000728216.7), dbSNP rs374721221, ClinGen allele CA1071406.

ClinVar aggregate classification (germline): Benign/Likely benign. Review status: criteria provided, multiple submitters, no conflicts (2 of 4 stars). 2 submissions from 2 submitters: Benign (1); Likely benign (1). Last evaluated 2025-09-02.

Conditions:
SF3B4-related disorder. Also called: SF3B4-related condition.

Allele frequency attached by ClinVar (database versions not stated): ESP Exome Variant Server 0.00008; gnomAD 0.00008 and 0.00013; TOPMed 0.00010; gnomAD exomes 0.00014 and 0.00036; ExAC 0.00061; 1000 Genomes Project 30x 0.00078; 1000 Genomes Project 0.00100.
gnomAD v4.1: 214 of 1,583,580 alleles (0.014%); highest among the groups gnomAD compares: South Asian, 0.21%; 1 homozygote.

Submissions (2):

Labcorp Genetics (formerly Invitae), Labcorp
Classification: Benign. Last evaluated: 2025-09-02. Review status: criteria provided, single submitter. Criteria: Invitae Variant Classification Sherloc (09022015). Collection method: clinical testing. Allele origin: germline.

PreventionGenetics, part of Exact Sciences
Classification: Likely benign for SF3B4-related condition. Last evaluated: 2024-12-04. Review status: criteria provided, single submitter. Criteria: ACMG Guidelines, 2015. Collection method: clinical testing. Allele origin: germline.
Comment: This variant is classified as likely benign based on ACMG/AMP sequence variant interpretation guidelines (Richards et al. 2015 PMID: 25741868, with internal and published modifications).